The following is an entry in ClinVar:

ClinVar aggregate classification (germline): Likely benign (1 of 4 stars; one submission).

Submission:

CeGaT Center for Human Genetics Tuebingen
Classification: Likely benign. Last evaluated: 2026-02-01. Review status: criteria provided, single submitter. Criteria: CeGaT Center For Human Genetics Tuebingen Variant Classification Criteria Version 2. Collection method: clinical testing. Allele origin: germline. Affected: yes. Observed: 2 variant alleles.
Comment: FAM25C: BP4, BP7

NM_001137548.3(FAM25C):c.30C>T (p.Ala10=)

Gene: FAM25C (family with sequence similarity 25 member C; minus strand). Cytogenetic location: 10q11.22.
Variant type: single nucleotide variant.
Coding change: c.30C>T on transcript NM_001137548.3 (MANE Select); coding-DNA position 30, C replaced by T.
Protein change: p.Ala10=; no amino-acid change (alanine 10 retained).
Molecular consequence: synonymous variant.
Genome position (GRCh38, 1-based): chr10:47,999,736, G>A on the plus strand (C>T on the coding strand, the complement: FAM25C is on the minus strand). VCF-style: chr10-47999736-G-A. GRCh37 (hg19) VCF-style: chr10-49207770-G-A.
Identifiers: ClinVar variation 4280999 (VCV004280999.7).